The following is an entry in ClinVar:

NM_002693.3(POLG):c.2017del (p.Ala673fs)

Gene: POLG (DNA polymerase gamma, catalytic subunit; minus strand). Cytogenetic location: 15q26.1.
Variant type: Deletion.
Coding change: c.2017del on transcript NM_002693.3 (MANE Select); coding-DNA position 2017, one base deleted (G; older notation c.2017delG).
Protein change: p.Ala673fs; shifts the reading frame from alanine 673.
Molecular consequence: frameshift variant.
Genome position (GRCh38, 1-based): chr15:89,324,160, C deleted on the plus strand (G on the coding strand, the reverse complement: POLG is on the minus strand); the first of 2 consecutive C bases (chr15:89,324,160-89,324,161); deleting either gives the same sequence. VCF-style (leftmost placement, unchanged base first): chr15-89324159-GC-G. GRCh37 (hg19) VCF-style: chr15-89867390-GC-G.
Other names: c.2017del, p.Ala673fs (NM_001126131.2); short protein forms A673fs.
Identifiers: ClinVar variation 5013474 (VCV005013474.1).
Genomic context (GRCh38, chr15:89,324,159, plus strand): 5'-GCCCTCACCGTTTGCCATATGGCACTATTGTCAGTGAGCAGGAACTCCTCCGCCAGGCCG[GC>G]CTCCTGGGGCATCAGCTGCTGCTTCCCCTGTTCGAGACAGTGCTTCCTGTACAGGGACTC-3'

ClinVar aggregate classification (germline): Pathogenic (1 of 4 stars; one submission).

Conditions:
POLG-related disorder. Also called: POLG-Related Spectrum Disorders; POLG-related condition; POLG-Related Disorders. Identifiers: MedGen C4763519.

Submission:

Myriad Genetics, Inc.
Classification: Pathogenic for POLG-related disorder. Last evaluated: 2024-08-21. Review status: criteria provided, single submitter. Criteria: Myriad Autosomal Dominant, Autosomal Recessive and X-Linked Classification Criteria (2023). Collection method: clinical testing. Allele origin: unknown.
Comment: NM_002693.2(POLG):c.2017delG(A673Pfs*19) is expected to be pathogenic in the context of POLG-related disorders. This variant is predicted to lead to an abnormal or absent protein product due to the creation of a premature termination codon in POLG, a gene where loss-of-function variants are known to be pathogenic. Please note: this variant was assessed in the context of healthy population screening.